The following is an entry in ClinVar:

NM_001283009.2(RTEL1):c.3552C>G (p.Phe1184Leu)

Genes: RTEL1 (regulator of telomere elongation helicase 1; plus strand), RTEL1-TNFRSF6B (RTEL1-TNFRSF6B readthrough (NMD candidate); plus strand). Cytogenetic location: 20q13.33.
Variant type: single nucleotide variant.
Coding change: c.3552C>G on transcript NM_001283009.2 (MANE Select); coding-DNA position 3552, C replaced by G.
Protein change: p.Phe1184Leu; replaces phenylalanine 1184 with leucine.
Molecular consequence: missense variant. On other transcripts: non-coding transcript variant (1).
Genome position (GRCh38, 1-based): chr20:63,695,380, C>G. VCF-style: chr20-63695380-C-G. GRCh37 (hg19) VCF-style: chr20-62326733-C-G.
Other names: c.2883C>G, p.Phe961Leu (NM_001283010.1); c.3552C>G, p.Phe1184Leu (NM_016434.4); c.3624C>G, p.Phe1208Leu (NM_032957.5); short protein forms F961L, F1184L, F1208L.
Identifiers: ClinVar variation 4794433 (VCV004794433.1).

ClinVar aggregate classification (germline): Uncertain significance (1 of 4 stars; one submission).

Conditions:
Pulmonary fibrosis and/or bone marrow failure, Telomere-related, 3. Also called: PULMONARY FIBROSIS AND/OR BONE MARROW FAILURE SYNDROME, TELOMERE-RELATED, 3. Identifiers: Orphanet 2032, MedGen C4225346, MONDO:0014613, OMIM 616373.
Dyskeratosis congenita, autosomal recessive 5 (DKCB5). Identifiers: MedGen C3554656, MONDO:0014076, OMIM 615190.

Submission:

Labcorp Genetics (formerly Invitae), Labcorp
Classification: Uncertain significance for Dyskeratosis congenita, autosomal recessive 5; Pulmonary fibrosis and/or bone marrow failure, Telomere-related, 3. Last evaluated: 2025-07-13. Review status: criteria provided, single submitter. Criteria: Invitae Variant Classification Sherloc (09022015). Collection method: clinical testing. Allele origin: germline.
Comment: This sequence change replaces phenylalanine, which is neutral and non-polar, with leucine, which is neutral and non-polar, at codon 1184 of the RTEL1 protein (p.Phe1184Leu). This variant is not present in population databases (gnomAD no frequency). This variant has not been reported in the literature in individuals affected with RTEL1-related conditions. An algorithm developed to predict the effect of missense changes on protein structure and function (PolyPhen-2) suggests that this variant is likely to be disruptive. In summary, the available evidence is currently insufficient to determine the role of this variant in disease. Therefore, it has been classified as a Variant of Uncertain Significance.